The following is an entry in ClinVar:

ClinVar aggregate classification (germline): Uncertain significance. Review status: criteria provided, multiple submitters, no conflicts (2 of 4 stars). 2 submissions from 2 submitters: Uncertain significance (2). Last evaluated 2026-07-01.

Conditions:
DiGeorge syndrome. Also called: Catch22; THIRD AND FOURTH PHARYNGEAL POUCH SYNDROME. Identifiers: Orphanet 567, MedGen C0012236, MONDO:0008564, OMIM 188400.

Submissions (2):

CeGaT Center for Human Genetics Tuebingen
Classification: Uncertain significance. Last evaluated: 2026-07-01. Review status: criteria provided, single submitter. Criteria: CeGaT Center For Human Genetics Tuebingen Variant Classification Criteria Version 2. Collection method: clinical testing. Allele origin: germline. Affected: yes. Observed: 1 variant allele.
Comment: TBX1: PM4:Supporting

Labcorp Genetics (formerly Invitae), Labcorp
Classification: Uncertain significance for DiGeorge syndrome. Last evaluated: 2026-01-11. Review status: criteria provided, single submitter. Criteria: Invitae Variant Classification Sherloc (09022015). Collection method: clinical testing. Allele origin: germline.
Comment: This variant, c.1370_1372dup, results in the insertion of 1 amino acid(s) of the TBX1 protein (p.His457dup), but otherwise preserves the integrity of the reading frame. This variant is present in population databases (rs767638460, gnomAD 0.004%). This variant has been observed in individual(s) with velocardiofacial syndrome (PMID: 11748311). This variant is also known as 1371-1372insCAC, 457-458insHis. Experimental studies and prediction algorithms are not available or were not evaluated, and the functional significance of this variant is currently unknown. In summary, the available evidence is currently insufficient to determine the role of this variant in disease. Therefore, it has been classified as a Variant of Uncertain Significance.

Literature cited by the submitters: PubMed 11748311 (cited by Labcorp Genetics (formerly Invitae), Labcorp).

NM_001379200.1(TBX1):c.1385ACC[6] (p.His466_Pro467insHis)

Gene: TBX1 (T-box transcription factor 1; plus strand). Cytogenetic location: 22q11.21.
Variant type: Microsatellite.
Coding change: c.1385ACC[6] on transcript NM_001379200.1 (MANE Select); six copies in a row of the 3-base unit ACC starting at c.1385; the reference has five copies in a row; one copy, 3 bases duplicated.
Protein change: p.His466_Pro467insHis.
Molecular consequence: inframe insertion. On other transcripts: intron variant (2).
Genome position (GRCh38, 1-based): chr22:19,766,749-19,766,751, ACC duplicated; duplicating any 3 consecutive bases within chr22:19,766,736-19,766,751 gives the same sequence; the position shown is the placement nearest the transcript's 3' end. VCF-style (leftmost placement, unchanged base first): chr22-19766735-G-GCAC. GRCh37 (hg19) VCF-style: chr22-19754258-G-GCAC.
Other names: c.1358ACC[6], p.His457_Pro458insHis (NM_080647.1); c.1009+734CAC[6] (NM_005992.1, NM_080646.2).
Identifiers: ClinVar variation 2016762 (VCV002016762.6), dbSNP rs753713234, ClinGen allele CA10102733.